The following is an entry in ClinVar:

ClinVar aggregate classification (germline): Uncertain significance (1 of 4 stars; one submission).

Submission:

GeneDx
Classification: Uncertain significance. Last evaluated: 2024-02-01. Review status: criteria provided, single submitter. Criteria: GeneDx Variant Classification Process June 2021. Collection method: clinical testing. Allele origin: germline. Affected: yes.
Comment: Has not been previously published as pathogenic or benign to our knowledge; Not observed at significant frequency in large population cohorts (gnomAD); In silico analysis supports that this missense variant does not alter protein structure/function

NM_004370.6(COL12A1):c.1144G>A (p.Val382Met)

Gene: COL12A1 (collagen type XII alpha 1 chain; minus strand). Cytogenetic location: 6q13.
Variant type: single nucleotide variant.
Coding change: c.1144G>A on transcript NM_004370.6 (MANE Select); coding-DNA position 1144, G replaced by A.
Protein change: p.Val382Met; replaces valine 382 with methionine.
Molecular consequence: missense variant. On other transcripts: intron variant (2).
Genome position (GRCh38, 1-based): chr6:75,183,998, C>T on the plus strand (G>A on the coding strand, the complement: COL12A1 is on the minus strand). VCF-style: chr6-75183998-C-T. GRCh37 (hg19) VCF-style: chr6-75893714-C-T.
Other names: c.1144G>A, p.Val382Met (NM_001424113.1, NM_001424114.1, NM_001424115.1); c.73+18722G>A (NM_001424116.1, NM_080645.3); short protein forms V382M.
Identifiers: ClinVar variation 3368722 (VCV003368722.1).